The following is an entry in ClinVar:

NM_000383.4(AIRE):c.1477G>A (p.Ala493Thr)

Gene: AIRE (autoimmune regulator; plus strand). Cytogenetic location: 21q22.3.
Variant type: single nucleotide variant.
Coding change: c.1477G>A on transcript NM_000383.4 (MANE Select); coding-DNA position 1477, G replaced by A.
Protein change: p.Ala493Thr; replaces alanine 493 with threonine.
Molecular consequence: missense variant.
Genome position (GRCh38, 1-based): chr21:44,294,477, G>A. VCF-style: chr21-44294477-G-A. GRCh37 (hg19) VCF-style: chr21-45714360-G-A.
Other names: c.1477G>A (LRG_18t1); short protein forms A493T.
Identifiers: ClinVar variation 377459 (VCV000377459.15), dbSNP rs561652010, ClinGen allele CA10052145.

ClinVar aggregate classification (germline): Uncertain significance. Review status: criteria provided, multiple submitters, no conflicts (2 of 4 stars). 6 submissions from 6 submitters: Uncertain significance (5). 1 of the submissions does not count toward it. Last evaluated 2026-01-17.

Conditions:
Inborn genetic diseases. Identifiers: MedGen C0950123, MeSH D030342.
AIRE-related disorder. Also called: AIRE-related condition.
Polyglandular autoimmune syndrome, type 1 (APS1). Also called: APS I; Autoimmune polyendocrine syndrome type 1; Autoimmune polyendocrinopathy syndrome , type I, with or without reversible metaphyseal dysplasia; AUTOIMMUNE POLYENDOCRINE SYNDROME, TYPE I, WITH OR WITHOUT REVERSIBLE METAPHYSEAL DYSPLASIA; HYPOADRENOCORTICISM WITH HYPOPARATHYROIDISM AND SUPERFICIAL MONILIASIS; PGA I. Identifiers: Orphanet 3453, MedGen C0085859, MONDO:0009411, OMIM 240300.

Allele frequency attached by ClinVar (database versions not stated): gnomAD exomes 0.00008 and 0.00014; ExAC 0.00011; gnomAD 0.00014 and 0.00016; TOPMed 0.00016; 1000 Genomes Project 0.00020; 1000 Genomes Project 30x 0.00047.
gnomAD v4.1: 210 of 1,533,620 alleles (0.014%); highest among the groups gnomAD compares: Admixed American, 0.026%; no homozygotes.

Submissions (6):

Labcorp Genetics (formerly Invitae), Labcorp
Classification: Uncertain significance for Polyglandular autoimmune syndrome, type 1. Last evaluated: 2026-01-17. Review status: criteria provided, single submitter. Criteria: Invitae Variant Classification Sherloc (09022015). Collection method: clinical testing. Allele origin: germline.
Comment: This sequence change replaces alanine, which is neutral and non-polar, with threonine, which is neutral and polar, at codon 493 of the AIRE protein (p.Ala493Thr). This variant is present in population databases (rs561652010, gnomAD 0.02%). This variant has not been reported in the literature in individuals affected with AIRE-related conditions. ClinVar contains an entry for this variant (Variation ID: 377459). Invitae Evidence Modeling of protein sequence and biophysical properties (such as structural, functional, and spatial information, amino acid conservation, physicochemical variation, residue mobility, and thermodynamic stability) indicates that this missense variant is not expected to disrupt AIRE protein function with a negative predictive value of 95%. In summary, the available evidence is currently insufficient to determine the role of this variant in disease. Therefore, it has been classified as a Variant of Uncertain Significance.

PreventionGenetics, part of Exact Sciences
Classification: Uncertain significance for AIRE-related condition. Last evaluated: 2025-05-22. Review status: criteria provided, single submitter. Criteria: ACMG Guidelines, 2015. Collection method: clinical testing. Allele origin: germline.
Comment: The AIRE c.1477G>A variant is predicted to result in the amino acid substitution p.Ala493Thr. To our knowledge, this variant has not been reported in the literature. This variant is reported in 0.018% of alleles in individuals of African descent in gnomAD. At this time, the clinical significance of this variant is uncertain due to the absence of conclusive functional and genetic evidence.

Ambry Genetics
Classification: Uncertain significance for Inborn genetic diseases. Last evaluated: 2025-04-12. Review status: criteria provided, single submitter. Criteria: Ambry Variant Classification Scheme 2023. Collection method: clinical testing. Allele origin: germline.

Fulgent Genetics
Classification: Uncertain significance for Polyglandular autoimmune syndrome, type 1. Last evaluated: 2021-07-04. Review status: criteria provided, single submitter. Criteria: ACMG Guidelines, 2015. Collection method: clinical testing. Allele origin: unknown.

GeneDx
Classification: Uncertain significance. Last evaluated: 2015-12-20. Review status: criteria provided, single submitter. Criteria: GeneDx Variant Classification (06012015). Collection method: clinical testing. Allele origin: germline. Affected: yes.
Comment: The A493T variant in the AIRE gene has not been published as a pathogenic variant, nor has it been reported as a benign variant to our knowledge. The 1000 Genomes Project reports that the A493T variant was not observed with any significant frequency in approximately 1000 alleles from individuals of European ancestry (McVean et al., 2012). The A493T variant is a non-conservative amino acid substitution, which occurs at a position that is not conserved across species. In silico analysis is inconsistent in its predictions as to whether or not the variant is damaging to the protein structure/function. A missense variant in a nearby residue (V484M) has been reported in the Human Gene Mutation Database in association with APECED (Stenson et al., 2014), supporting the functional importance of this region of the protein. We interpret A493T as a variant of uncertain significance.

Natera, Inc.
Classification: Uncertain significance for Polyglandular autoimmune syndrome type 1. Last evaluated: 2019-10-28. Review status: no assertion criteria provided. Collection method: clinical testing. Allele origin: germline. Not counted in ClinVar's aggregate classification.